The following is an entry in ClinVar:

ClinVar aggregate classification (germline): Uncertain significance. Review status: criteria provided, multiple submitters, no conflicts (2 of 4 stars). 3 submissions from 3 submitters: Uncertain significance (3). Last evaluated 2024-05-29.

Conditions:
Early-infantile DEE. Also called: Early infantile epileptic encephalopathy with suppression bursts; Ohtahara syndrome; Early infantile epileptic encephalopathy. Identifiers: Orphanet 1934, MedGen C0393706, MONDO:0800491.

Allele frequency attached by ClinVar (database versions not stated): gnomAD exomes below 0.00001; TOPMed below 0.00001; ESP Exome Variant Server 0.00008.
gnomAD v4.1: 6 of 1,614,020 alleles (0.00037%); highest among the groups gnomAD compares: South Asian, 0.0022%; no homozygotes.

Submissions (3):

Labcorp Genetics (formerly Invitae), Labcorp
Classification: Uncertain significance for Early-infantile DEE. Last evaluated: 2024-05-29. Review status: criteria provided, single submitter. Criteria: Invitae Variant Classification Sherloc (09022015). Collection method: clinical testing. Allele origin: germline.
Comment: This sequence change replaces aspartic acid, which is acidic and polar, with asparagine, which is neutral and polar, at codon 1736 of the SPTAN1 protein (p.Asp1736Asn). This variant is not present in population databases (gnomAD no frequency). This variant has not been reported in the literature in individuals affected with SPTAN1-related conditions. ClinVar contains an entry for this variant (Variation ID: 432499). Advanced modeling of protein sequence and biophysical properties (such as structural, functional, and spatial information, amino acid conservation, physicochemical variation, residue mobility, and thermodynamic stability) has been performed at Invitae for this missense variant, however the output from this modeling did not meet the statistical confidence thresholds required to predict the impact of this variant on SPTAN1 protein function. In summary, the available evidence is currently insufficient to determine the role of this variant in disease. Therefore, it has been classified as a Variant of Uncertain Significance.

CeGaT Center for Human Genetics Tuebingen
Classification: Uncertain significance. Last evaluated: 2023-05-01. Review status: criteria provided, single submitter. Criteria: CeGaT Center For Human Genetics Tuebingen Variant Classification Criteria Version 2. Collection method: clinical testing. Allele origin: germline. Affected: yes. Observed: 1 variant allele.
Comment: SPTAN1: PP2

GeneDx
Classification: Uncertain significance. Last evaluated: 2019-09-12. Review status: criteria provided, single submitter. Criteria: GeneDx Variant Classification Process June 2021. Collection method: clinical testing. Allele origin: germline. Affected: yes.
Comment: Not observed in large population cohorts (Lek et al., 2016); In silico analysis, which includes protein predictors and evolutionary conservation, supports a deleterious effect; Has not been previously published as pathogenic or benign to our knowledge

NM_001130438.3(SPTAN1):c.5206G>A (p.Asp1736Asn)

Gene: SPTAN1 (spectrin alpha, non-erythrocytic 1; plus strand). Cytogenetic location: 9q34.11.
Variant type: single nucleotide variant.
Coding change: c.5206G>A on transcript NM_001130438.3 (MANE Select); coding-DNA position 5206, G replaced by A.
Protein change: p.Asp1736Asn; replaces aspartic acid 1736 with asparagine.
Molecular consequence: missense variant.
Genome position (GRCh38, 1-based): chr9:128,615,689, G>A. VCF-style: chr9-128615689-G-A. GRCh37 (hg19) VCF-style: chr9-131377968-G-A.
Other names: c.5131G>A, p.Asp1711Asn (NM_001195532.2); c.5206G>A, p.Asp1736Asn (NM_001363759.2); c.5146G>A, p.Asp1716Asn (NM_001363765.2); c.5191G>A, p.Asp1731Asn (NM_003127.4); short protein forms D1736N, D1716N, D1711N, D1731N.
Identifiers: ClinVar variation 432499 (VCV000432499.33), dbSNP rs148294757, ClinGen allele CA200400850.
Genomic context (GRCh38, chr9:128,615,689, plus strand): 5'-CAGGATCGCCTGAAGGACCTGAACAGCCAGGCAGACAGCCTGATGACCAGCAGTGCCTTC[G>A]ACACCTCCCAAGTAAAGGACAAGAGGGACACCATCAACGGGCGCTTCCAGAAGATCAAGA-3'
Protein context (NP_001123910.1, residues 1726-1746): ADSLMTSSAF[Asp1736Asn]TSQVKDKRDT